The following is an entry in ClinVar:

ClinVar aggregate classification (germline): Likely benign. Review status: criteria provided, multiple submitters, no conflicts (2 of 4 stars). 3 submissions from 3 submitters: Likely benign (3). Last evaluated 2024-12-19.

Conditions:
Hereditary cancer-predisposing syndrome. Also called: Hereditary neoplastic syndrome; Tumor predisposition; Hereditary Cancer Syndrome; Neoplastic Syndromes, Hereditary. Identifiers: Orphanet 140162, MedGen C0027672, MeSH D009386, MONDO:0015356.
Hereditary nonpolyposis colorectal neoplasms. Identifiers: MedGen C0009405, MeSH D003123.
Lynch syndrome 5 (LYNCH5). Also called: Colorectal cancer, hereditary nonpolyposis, type 5; Hereditary non-polyposis colorectal cancer, type 5. Identifiers: Orphanet 144, MedGen C1833477, MONDO:0013710, OMIM 614350. Disease mechanism: loss of function.

Submissions (3):

Myriad Genetics, Inc.
Classification: Likely benign for Lynch syndrome 5. Last evaluated: 2024-12-19. Review status: criteria provided, single submitter. Criteria: Myriad Autosomal Dominant, Autosomal Recessive and X-Linked Classification Criteria (2023). Collection method: clinical testing. Allele origin: unknown.
Comment: This variant is considered likely benign. This variant is intronic and is not expected to impact mRNA splicing.

Labcorp Genetics (formerly Invitae), Labcorp
Classification: Likely benign for Hereditary nonpolyposis colorectal neoplasms. Last evaluated: 2023-08-18. Review status: criteria provided, single submitter. Criteria: Invitae Variant Classification Sherloc (09022015). Collection method: clinical testing. Allele origin: germline.

Color Diagnostics, LLC DBA Color Health
Classification: Likely benign for Hereditary cancer-predisposing syndrome. Last evaluated: 2016-06-28. Review status: criteria provided, single submitter. Criteria: ACMG Guidelines, 2015. Collection method: clinical testing. Allele origin: germline.

NM_000179.3(MSH6):c.628-17C>T

Gene: MSH6 (mutS homolog 6; plus strand). Cytogenetic location: 2p16.3.
Variant type: single nucleotide variant.
Coding change: c.628-17C>T on transcript NM_000179.3 (MANE Select); 17 bases into the intron before coding-DNA position 628, C replaced by T.
Molecular consequence: intron variant.
Genome position (GRCh38, 1-based): chr2:47,798,594, C>T. VCF-style: chr2-47798594-C-T. GRCh37 (hg19) VCF-style: chr2-48025733-C-T.
Other names: c.-279-17C>T (NM_001281493.2); c.238-17C>T (NM_001281492.2); c.-275-21C>T (NM_001281494.2).
Identifiers: ClinVar variation 491987 (VCV000491987.12), dbSNP rs369971640, ClinGen allele CA658683228.